The following is an entry in ClinVar:

NM_001261826.3(AP3D1):c.3462C>T (p.His1154=)

Gene: AP3D1 (adaptor related protein complex 3 subunit delta 1; minus strand). Cytogenetic location: 19p13.3.
Variant type: single nucleotide variant.
Coding change: c.3462C>T on transcript NM_001261826.3 (MANE Select); coding-DNA position 3462, C replaced by T.
Protein change: p.His1154=; no amino-acid change (histidine 1154 retained).
Molecular consequence: synonymous variant.
Genome position (GRCh38, 1-based): chr19:2,109,096, G>A on the plus strand (C>T on the coding strand, the complement: AP3D1 is on the minus strand). VCF-style: chr19-2109096-G-A. GRCh37 (hg19) VCF-style: chr19-2109095-G-A.
Other names: c.3426C>T, p.His1142= (NM_001374799.1); c.3276C>T, p.His1092= (NM_003938.8).
Identifiers: ClinVar variation 3047390 (VCV003047390.2), dbSNP rs759930199, ClinGen allele CA9058387.

ClinVar aggregate classification (germline): Likely benign (0 of 4 stars; one submission).

Conditions:
AP3D1-related disorder. Also called: AP3D1-related condition.

gnomAD v4.1: 1 of 1,608,104 alleles (0.000062%); highest among the groups gnomAD compares: South Asian, 0.0011%; no homozygotes.

Submission:

PreventionGenetics, part of Exact Sciences
Classification: Likely benign for AP3D1-related condition. Last evaluated: 2019-02-20. Review status: no assertion criteria provided. Collection method: clinical testing. Allele origin: germline.
Comment: This variant is classified as likely benign based on ACMG/AMP sequence variant interpretation guidelines (Richards et al. 2015 PMID: 25741868, with internal and published modifications).